The following is an entry in ClinVar:

NM_005431.2(XRCC2):c.794T>C (p.Leu265Ser)

Gene: XRCC2 (X-ray repair cross complementing 2; minus strand). Cytogenetic location: 7q36.1.
Variant type: single nucleotide variant.
Coding change: c.794T>C on transcript NM_005431.2 (MANE Select); coding-DNA position 794, T replaced by C.
Protein change: p.Leu265Ser; replaces leucine 265 with serine.
Molecular consequence: missense variant.
Genome position (GRCh38, 1-based): chr7:152,648,691, A>G on the plus strand (T>C on the coding strand, the complement: XRCC2 is on the minus strand). VCF-style: chr7-152648691-A-G. GRCh37 (hg19) VCF-style: chr7-152345776-A-G.
Other names: c.794T>C (NM_005431.1); short protein forms L265S.
Identifiers: ClinVar variation 584722 (VCV000584722.4), dbSNP rs771671971, ClinGen allele CA4582293.

ClinVar aggregate classification (germline): Uncertain significance. Review status: criteria provided, multiple submitters, no conflicts (2 of 4 stars). 2 submissions from 2 submitters: Uncertain significance (2). Last evaluated 2025-12-22.

Conditions:
Fanconi anemia complementation group U. Identifiers: MedGen C4310651, MONDO:0014987, OMIM 617247.
Hereditary cancer-predisposing syndrome. Also called: Neoplastic Syndromes, Hereditary; Hereditary neoplastic syndrome; Tumor predisposition; Hereditary Cancer Syndrome. Identifiers: Orphanet 140162, MedGen C0027672, MeSH D009386, MONDO:0015356.

Submissions (2):

Ambry Genetics
Classification: Uncertain significance for Hereditary cancer-predisposing syndrome. Last evaluated: 2025-12-22. Review status: criteria provided, single submitter. Criteria: Ambry Variant Classification Scheme 2023. Collection method: clinical testing. Allele origin: germline.
Comment: The p.L265S variant (also known as c.794T>C), located in coding exon 3 of the XRCC2 gene, results from a T to C substitution at nucleotide position 794. The leucine at codon 265 is replaced by serine, an amino acid with dissimilar properties. This amino acid position is conserved. In addition, this alteration is predicted to be tolerated by in silico analysis. Based on the available evidence, the clinical significance of this variant remains unclear.

Mendelics
Classification: Uncertain significance for Fanconi anemia complementation group U. Last evaluated: 2019-05-28. Review status: criteria provided, single submitter. Criteria: Mendelics Assertion Criteria 2017. Collection method: clinical testing. Allele origin: unknown.